The following is an entry in ClinVar:

NC_000006.12:g.32521939G>A

Gene: HLA-DRB5 (major histocompatibility complex, class II, DR beta 5; minus strand). Cytogenetic location: 6p21.32.
Variant type: single nucleotide variant.
Molecular consequence: synonymous variant (on NM_022555.4).
Genome position: GRCh38 VCF-style: chr6-32521939-G-A. GRCh37 (hg19) VCF-style: chr6-32489716-G-A.
Other names: c.336C>T, p.Tyr112= (NM_022555.4).
Identifiers: ClinVar variation 2656454 (VCV002656454.24), dbSNP rs777413325, ClinGen allele CA449830505.

ClinVar aggregate classification (germline): Likely benign (1 of 4 stars; one submission).

Submission:

CeGaT Center for Human Genetics Tuebingen
Classification: Likely benign. Last evaluated: 2023-08-01. Review status: criteria provided, single submitter. Criteria: CeGaT Center For Human Genetics Tuebingen Variant Classification Criteria Version 2. Collection method: clinical testing. Allele origin: germline. Affected: yes. Observed: 1 variant allele.
Comment: HLA-DRB5: BP4, BP7